The following is an entry in ClinVar:

NM_000077.5(CDKN2A):c.143C>G (p.Pro48Arg)

Gene: CDKN2A (cyclin dependent kinase inhibitor 2A; minus strand). Cytogenetic location: 9p21.3.
Variant type: single nucleotide variant.
Coding change: c.143C>G on transcript NM_000077.5; coding-DNA position 143, C replaced by G.
Protein change: p.Pro48Arg; replaces proline 48 with arginine.
Molecular consequence: missense variant (on NM_000077.6). On other transcripts: intron variant (2).
Genome position (GRCh38, 1-based): chr9:21,974,685, G>C on the plus strand (C>G on the coding strand, the complement: CDKN2A is on the minus strand). VCF-style: chr9-21974685-G-C. GRCh37 (hg19) VCF-style: chr9-21974684-G-C.
Other names: c.143C>G, p.Pro48Arg (NM_000077.6, NM_001195132.2, NM_058197.5); c.-3-3477C>G (NM_001363763.2); c.194-3477C>G (NM_058195.4); short protein forms P48R.
Identifiers: ClinVar variation 231262 (VCV000231262.15), dbSNP rs763804037, ClinGen allele CA5012305.

ClinVar aggregate classification (germline): Conflicting classifications of pathogenicity. Review status: criteria provided, conflicting classifications (1 of 4 stars). 3 submissions from 3 submitters: Likely pathogenic (1); Uncertain significance (2). Last evaluated 2025-03-31.

Conditions:
Hereditary cancer-predisposing syndrome. Also called: Neoplastic Syndromes, Hereditary; Hereditary Cancer Syndrome; Tumor predisposition; Hereditary neoplastic syndrome. Identifiers: Orphanet 140162, MedGen C0027672, MeSH D009386, MONDO:0015356.
Melanoma-pancreatic cancer syndrome. Identifiers: Orphanet 404560, MedGen C1838547, MONDO:0011713, OMIM 606719. Disease mechanism: loss of function.
Familial melanoma. Also called: Hereditary melanoma; Hereditary cutaneous melanoma. Identifiers: Orphanet 618, MedGen C1512419, MONDO:0018961.

Allele frequency attached by ClinVar (database versions not stated): ExAC 0.00001.

Submissions (3):

Ambry Genetics
Classification: Likely pathogenic for Hereditary cancer-predisposing syndrome. Last evaluated: 2025-03-31. Review status: criteria provided, single submitter. Criteria: Ambry Variant Classification Scheme 2023. Collection method: clinical testing. Allele origin: germline.
Comment: The p.P48R variant (also known as c.143C>G), located in coding exon 1 of the CDKN2A gene, results from a C to G substitution at nucleotide position 143. The proline at codon 48 is replaced by arginine, an amino acid with dissimilar properties. This alteration has been observed in multiple individuals with a personal and/or family history of pancreatic cancer (Ambry internal data; Debniak T et al. Eur J Cancer Prev, 2008 Oct;17:389-91; Lowery MA et al. J Natl Cancer Inst, 2018 Oct;110:1067-1074). Based on internal structural analysis, P48R is more disruptive to the structure of CDKN2A than nearby internally pathogenic variants, including p.P48T at the same position (Russo, AA et al. Nature 1998 Sep;395(6699):237-43; Byeon IJ et al. Mol Cell 1998 Feb;1(3):421-31). The p.P48T alteration has been observed in affected individuals and reported to have a deleterious impact in protein functional studies (Moore PS et al. Hum Mutat, 2000 Nov;16:447-8; Della Torre G et al. Br J Cancer, 2001 Sep;85:836-44; Miller PJ et al. Hum Mutat, 2011 Aug;32:900-11). This variant is considered to be rare based on population cohorts in the Genome Aggregation Database (gnomAD). This amino acid position is not well conserved in available vertebrate species. In addition, this alteration is predicted to be deleterious by in silico analysis. Based on the majority of available evidence to date, this variant is likely to be pathogenic.

Labcorp Genetics (formerly Invitae), Labcorp
Classification: Uncertain significance for Familial melanoma. Last evaluated: 2024-06-22. Review status: criteria provided, single submitter. Criteria: Invitae Variant Classification Sherloc (09022015). Collection method: clinical testing. Allele origin: germline.
Comment: This sequence change replaces proline, which is neutral and non-polar, with arginine, which is basic and polar, at codon 48 of the CDKN2A (p16INK4a) protein (p.Pro48Arg). This variant is present in population databases (rs763804037, gnomAD 0.006%). This missense change has been observed in individual(s) with pancreatic cancer or melanoma (PMID: 18714178, 21462282, 28873162, 29506128). ClinVar contains an entry for this variant (Variation ID: 231262). An algorithm developed to predict the effect of missense changes on protein structure and function (PolyPhen-2) suggests that this variant is likely to be disruptive. This variant disrupts the p.Pro48 amino acid residue in CDKN2A (p16INK4a). Other variant(s) that disrupt this residue have been determined to be pathogenic (PMID: 11058911, 11556834, 17625456, 28830827). This suggests that this residue is clinically significant, and that variants that disrupt this residue are likely to be disease-causing. In summary, the available evidence is currently insufficient to determine the role of this variant in disease. Therefore, it has been classified as a Variant of Uncertain Significance.

Myriad Genetics, Inc.
Classification: Uncertain significance for Melanoma-pancreatic cancer syndrome. Last evaluated: 2023-04-21. Review status: criteria provided, single submitter. Criteria: Myriad Autosomal Dominant, Autosomal Recessive and X-Linked Classification Criteria (2023). Collection method: clinical testing. Allele origin: unknown.
Comment: This variant is classified as a variant of uncertain significance as there is insufficient evidence to determine its impact on protein function and/or cancer risk.

Literature cited by the submitters: PubMed 12606942 (cited by Ambry Genetics); PubMed 18714178 (cited by Ambry Genetics and Labcorp Genetics (formerly Invitae), Labcorp); PubMed 21462282 (cited by Ambry Genetics and Labcorp Genetics (formerly Invitae), Labcorp); PubMed 29506128 (cited by Ambry Genetics and Labcorp Genetics (formerly Invitae), Labcorp); PubMed 9660926 (cited by Ambry Genetics); PubMed 9751050 (cited by Ambry Genetics); PubMed 28873162 (cited by Labcorp Genetics (formerly Invitae), Labcorp); PubMed 11058911 (cited by Labcorp Genetics (formerly Invitae), Labcorp); PubMed 11556834 (cited by Labcorp Genetics (formerly Invitae), Labcorp); PubMed 17625456 (cited by Labcorp Genetics (formerly Invitae), Labcorp); PubMed 28830827 (cited by Labcorp Genetics (formerly Invitae), Labcorp).